The following is an entry in ClinVar:

ClinVar aggregate classification (germline): Pathogenic (1 of 4 stars; one submission).

Conditions:
BAP1-related tumor predisposition syndrome (TPDS1). Also called: Tumor susceptibility linked to germline BAP1 mutations; BAP1 tumor predisposition syndrome; COMMON Syndrome; TUMOR PREDISPOSITION SYNDROME 1. Identifiers: Orphanet 289539, MedGen C3280492, MONDO:0013692, OMIM 614327.

Submission:

Labcorp Genetics (formerly Invitae), Labcorp
Classification: Pathogenic for BAP1-related tumor predisposition syndrome. Last evaluated: 2020-10-03. Review status: criteria provided, single submitter. Criteria: Invitae Variant Classification Sherloc (09022015). Collection method: clinical testing. Allele origin: germline.
Comment: This sequence change creates a premature translational stop signal (p.Glu491Argfs*8) in the BAP1 gene. It is expected to result in an absent or disrupted protein product. This variant is not present in population databases (ExAC no frequency). This variant has not been reported in the literature in individuals with BAP1-related conditions. Loss-of-function variants in BAP1 are known to be pathogenic (PMID: 21874000, 23684012). For these reasons, this variant has been classified as Pathogenic.

Literature cited by the submitters: PubMed 21874000; PubMed 23684012.

NM_004656.4(BAP1):c.1470_1471insA (p.Glu491fs)

Gene: BAP1 (BRCA1 associated deubiquitinase 1; minus strand). Cytogenetic location: 3p21.1.
Variant type: Insertion.
Coding change: c.1470_1471insA on transcript NM_004656.4 (MANE Select); coding-DNA positions 1470 to 1471, A inserted.
Protein change: p.Glu491fs; shifts the reading frame from glutamic acid 491.
Molecular consequence: frameshift variant.
Genome position: GRCh38 VCF-style: chr3-52403674-C-CT. GRCh37 (hg19) VCF-style: chr3-52437690-C-CT.
Other names: short protein forms E491fs.
Identifiers: ClinVar variation 1070831 (VCV001070831.5), dbSNP rs2153226707, ClinGen allele CA2499216938.